The following is an entry in ClinVar:

ClinVar aggregate classification (germline): Pathogenic/Likely pathogenic. Review status: criteria provided, multiple submitters, no conflicts (2 of 4 stars). 3 submissions from 3 submitters: Pathogenic (2); Likely pathogenic (1). Last evaluated 2024-06-03.

Conditions:
Type 2 diabetes mellitus. Also called: Type II diabetes mellitus. Identifiers: MedGen C0011860, MeSH D003924, MONDO:0005148, OMIM 125853, HP:0005978.
Diabetes mellitus, transient neonatal, 2 (TNDM2). Identifiers: Orphanet 99886, MedGen C1835887, MONDO:0012480, OMIM 610374. Disease mechanism: loss of function.
Diabetes mellitus, permanent neonatal 3. Also called: ABCC8-Related Permanent Neonatal Diabetes Mellitus. Identifiers: MedGen C5394303, MONDO:0030088, OMIM 618857.
Hyperinsulinemic hypoglycemia, familial, 1 (HHF1). Also called: HYPERINSULINISM, FAMILIAL, WITH PANCREATIC NESIDIOBLASTOSIS; HYPOGLYCEMIA, HYPERINSULINEMIC, OF INFANCY; Persistent hyperinsulinemic hypoglycemia of infancy; Persistent Hyperinsulinemia Hypoglycemia of Infancy; NESIDIOBLASTOSIS OF PANCREAS. Identifiers: Orphanet 276575, Orphanet 276598, MedGen C2931832, MONDO:0009734, OMIM 256450.
Leucine-induced hypoglycemia (LIH). Also called: LEUCINE-SENSITIVE HYPOGLYCEMIA OF INFANCY. Identifiers: MedGen C0271714, MONDO:0009415, OMIM 240800.

Submissions (3):

Fulgent Genetics
Classification: Pathogenic for Type 2 diabetes mellitus; Leucine-induced hypoglycemia; Hyperinsulinemic hypoglycemia, familial, 1; Diabetes mellitus, transient neonatal, 2; Diabetes mellitus, permanent neonatal 3. Last evaluated: 2024-06-03. Review status: criteria provided, single submitter. Criteria: ACMG Guidelines, 2015. Collection method: clinical testing. Allele origin: germline.

Baylor Genetics
Classification: Likely pathogenic for Type 2 diabetes mellitus. Last evaluated: 2024-01-31. Review status: criteria provided, single submitter. Criteria: ACMG Guidelines, 2015. Collection method: clinical testing. Allele origin: unknown.

Labcorp Genetics (formerly Invitae), Labcorp
Classification: Pathogenic. Last evaluated: 2023-07-11. Review status: criteria provided, single submitter. Criteria: Invitae Variant Classification Sherloc (09022015). Collection method: clinical testing. Allele origin: germline.
Comment: For these reasons, this variant has been classified as Pathogenic. Studies have shown this premature translational stop signal is associated with skipping of exon 17, but one or more of the resulting mRNA isoform(s) may be naturally occurring (PMID: 28663158). ClinVar contains an entry for this variant (Variation ID: 848198). This variant is also known as E747X. This premature translational stop signal has been observed in individual(s) with autosomal recessive permanent neonatal diabetes and/or clinical features of autosomal recessive early onset diabetes. This variant does not appear to be associated with the expected loss-of-function mechanism and may escape nonsense-mediated decay (PMID: 28663158, 34566892). In at least one individual the data is consistent with being in trans (on the opposite chromosome) from a pathogenic variant. This variant is not present in population databases (gnomAD no frequency). This sequence change creates a premature translational stop signal (p.Glu746*) in the ABCC8 gene. RNA analysis indicates that this premature translational stop signal induces altered splicing and likely results in a shortened protein product.

Literature cited by the submitters: PubMed 28663158 (cited by Labcorp Genetics (formerly Invitae), Labcorp); PubMed 34566892 (cited by Labcorp Genetics (formerly Invitae), Labcorp).

NM_000352.6(ABCC8):c.2236G>T (p.Glu746Ter)

Gene: ABCC8 (ATP binding cassette subfamily C member 8; minus strand). Cytogenetic location: 11p15.1.
Variant type: single nucleotide variant.
Coding change: c.2236G>T on transcript NM_000352.6 (MANE Select); coding-DNA position 2236, G replaced by T.
Protein change: p.Glu746Ter; replaces glutamic acid 746 with a stop codon.
Molecular consequence: nonsense. On other transcripts: non-coding transcript variant (1).
Genome position (GRCh38, 1-based): chr11:17,416,949, C>A on the plus strand (G>T on the coding strand, the complement: ABCC8 is on the minus strand). VCF-style: chr11-17416949-C-A. GRCh37 (hg19) VCF-style: chr11-17438496-C-A.
Other names: c.2239G>T, p.Glu747Ter (NM_001287174.3); c.2302G>T, p.Glu768Ter (NM_001351295.2); c.2236G>T, p.Glu746Ter (NM_001351296.2); c.2233G>T, p.Glu745Ter (NM_001351297.2); short protein forms E768*, E746*, E747*, E745*.
Identifiers: ClinVar variation 848198 (VCV000848198.12), dbSNP rs753296261, ClinGen allele CA379811263.